The following is an entry in ClinVar:

ClinVar aggregate classification (germline): Conflicting classifications of pathogenicity. Review status: criteria provided, conflicting classifications (1 of 4 stars). 7 submissions from 6 submitters: Uncertain significance (2); Benign (1); Likely benign (3). 1 of the submissions does not count toward it. Last evaluated 2026-09-01.

Conditions:
Regional enteritis. Also called: Enteritis, Granulomatous. Identifiers: MedGen C0678202, MeSH D003424.
Blau syndrome (BLAUS). Also called: ARTHROCUTANEOUVEAL GRANULOMATOSIS; GRANULOMATOSIS, FAMILIAL JUVENILE SYSTEMIC; GRANULOMATOSIS, FAMILIAL, BLAU TYPE; GRANULOMATOUS INFLAMMATORY ARTHRITIS, DERMATITIS, AND UVEITIS, FAMILIAL; JABS SYNDROME. Identifiers: Orphanet 90340, MedGen C5201146, MONDO:0008523, OMIM 186580.
NOD2-related disorder. Also called: NOD2-related condition.
Inflammatory bowel disease 1 (IBD1). Also called: Inflammatory bowel disease 1, Crohn disease; INFLAMMATORY BOWEL DISEASE (CROHN DISEASE) 1. Identifiers: MedGen CN260071, MONDO:0009960, OMIM 266600.

Allele frequency attached by ClinVar (database versions not stated): ESP Exome Variant Server 0.00015; 1000 Genomes Project 30x 0.00016; 1000 Genomes Project 0.00020; ExAC 0.00020; gnomAD 0.00022 and 0.00023; TOPMed 0.00030.

Submissions (7):

CeGaT Center for Human Genetics Tuebingen
Classification: Likely benign. Last evaluated: 2026-09-01. Review status: criteria provided, single submitter. Criteria: CeGaT Center For Human Genetics Tuebingen Variant Classification Criteria Version 2. Collection method: clinical testing. Allele origin: germline. Affected: yes. Observed: 3 variant alleles.
Comment: NOD2: BP4, BS1

Labcorp Genetics (formerly Invitae), Labcorp
Classification: Likely benign for Regional enteritis; Blau syndrome. Last evaluated: 2026-01-07. Review status: criteria provided, single submitter. Criteria: Invitae Variant Classification Sherloc (09022015). Collection method: clinical testing. Allele origin: germline.

Blueprint Genetics
Classification: Likely benign. Last evaluated: 2024-06-06. Review status: criteria provided, single submitter. Criteria: ACMG Guidelines, 2015. Collection method: clinical testing. Allele origin: germline.

GeneDx
Classification: Uncertain significance. Last evaluated: 2023-12-14. Review status: criteria provided, single submitter. Criteria: GeneDx Variant Classification Process June 2021. Collection method: clinical testing. Allele origin: germline. Affected: yes.
Comment: Reported in a patient with early onset inflammatory bowel disease (PMID: 29248579); In silico analysis supports that this missense variant does not alter protein structure/function; This variant is associated with the following publications: (PMID: 35314268, 29248579)

Illumina Laboratory Services, Illumina
Classification: Benign for Blau syndrome. Last evaluated: 2018-01-13. Review status: criteria provided, single submitter. Criteria: ICSL Variant Classification Criteria 13 December 2019. Collection method: clinical testing. Allele origin: germline.
Comment: This variant was observed in the ICSL laboratory as part of a predisposition screen in an ostensibly healthy population. It had not been previously curated by ICSL or reported in the Human Gene Mutation Database (HGMD: prior to June 1st, 2018), and was therefore a candidate for classification through an automated scoring system. Utilizing variant allele frequency, disease prevalence and penetrance estimates, and inheritance mode, an automated score was calculated to assess if this variant is too frequent to cause the disease. Based on the score and internal cut-off values, a variant classified as benign is not then subjected to further curation. The score for this variant resulted in a classification of benign for this disease.

Illumina Laboratory Services, Illumina
Classification: Uncertain significance for Inflammatory bowel disease 1. Last evaluated: 2018-01-13. Review status: criteria provided, single submitter. Criteria: ICSL Variant Classification Criteria 13 December 2019. Collection method: clinical testing. Allele origin: germline.

PreventionGenetics, part of Exact Sciences
Classification: Likely benign for NOD2-related condition. Last evaluated: 2024-09-24. Review status: no assertion criteria provided. Collection method: clinical testing. Allele origin: germline. Not counted in ClinVar's aggregate classification.
Comment: This variant is classified as likely benign based on ACMG/AMP sequence variant interpretation guidelines (Richards et al. 2015 PMID: 25741868, with internal and published modifications).

NM_001370466.1(NOD2):c.1235G>A (p.Arg412His)

Gene: NOD2 (nucleotide binding oligomerization domain containing 2; plus strand). Cytogenetic location: 16q12.1.
Variant type: single nucleotide variant.
Coding change: c.1235G>A on transcript NM_001370466.1 (MANE Select); coding-DNA position 1235, G replaced by A.
Protein change: p.Arg412His; replaces arginine 412 with histidine.
Molecular consequence: missense variant. On other transcripts: non-coding transcript variant (1).
Genome position (GRCh38, 1-based): chr16:50,711,227, G>A. VCF-style: chr16-50711227-G-A. GRCh37 (hg19) VCF-style: chr16-50745138-G-A.
Other names: c.1316G>A (LRG_177t1); c.1235G>A, p.Arg412His (NM_001293557.2); c.1316G>A, p.Arg439His (NM_022162.3); short protein forms R439H, R412H.
Identifiers: ClinVar variation 319444 (VCV000319444.57), dbSNP rs143110172, ClinGen allele CA8051519.